The following is an entry in ClinVar:

ClinVar aggregate classification (germline): Uncertain significance (1 of 4 stars; one submission).

Submission:

Labcorp Genetics (formerly Invitae), Labcorp
Classification: Uncertain significance. Last evaluated: 2024-06-08. Review status: criteria provided, single submitter. Criteria: Invitae Variant Classification Sherloc (09022015). Collection method: clinical testing. Allele origin: germline.
Comment: This sequence change replaces asparagine, which is neutral and polar, with aspartic acid, which is acidic and polar, at codon 431 of the FBXO11 protein (p.Asn431Asp). This variant is not present in population databases (gnomAD no frequency). This variant has not been reported in the literature in individuals affected with FBXO11-related conditions. An algorithm developed to predict the effect of missense changes on protein structure and function (PolyPhen-2) suggests that this variant is likely to be disruptive. In summary, the available evidence is currently insufficient to determine the role of this variant in disease. Therefore, it has been classified as a Variant of Uncertain Significance.

NM_001190274.2(FBXO11):c.1291A>G (p.Asn431Asp)

Gene: FBXO11 (F-box protein 11; minus strand). Cytogenetic location: 2p16.3.
Variant type: single nucleotide variant.
Coding change: c.1291A>G on transcript NM_001190274.2 (MANE Select); coding-DNA position 1291, A replaced by G.
Protein change: p.Asn431Asp; replaces asparagine 431 with aspartic acid.
Molecular consequence: missense variant.
Genome position (GRCh38, 1-based): chr2:47,832,456, T>C on the plus strand (A>G on the coding strand, the complement: FBXO11 is on the minus strand). VCF-style: chr2-47832456-T-C. GRCh37 (hg19) VCF-style: chr2-48059595-T-C.
Other names: c.1039A>G, p.Asn347Asp (NM_001374325.1, NM_025133.4); short protein forms N347D, N431D.
Identifiers: ClinVar variation 2746875 (VCV002746875.3), dbSNP rs2531189291, ClinGen allele CA346765406.